The following is an entry in ClinVar:

NM_021913.5(AXL):c.1926+6G>A

Gene: AXL (AXL receptor tyrosine kinase; plus strand). Cytogenetic location: 19q13.2.
Variant type: single nucleotide variant.
Coding change: c.1926+6G>A on transcript NM_021913.5 (MANE Select); 6 bases into the intron after coding-DNA position 1926, G replaced by A.
Molecular consequence: intron variant.
Genome position (GRCh38, 1-based): chr19:41,252,973, G>A. VCF-style: chr19-41252973-G-A. GRCh37 (hg19) VCF-style: chr19-41758878-G-A.
Other names: c.1899+6G>A (NM_001699.6); c.1122+6G>A (NM_001278599.2).
Identifiers: ClinVar variation 1507337 (VCV001507337.6), dbSNP rs1006155948, ClinGen allele CA308550527.

ClinVar aggregate classification (germline): Uncertain significance (1 of 4 stars; one submission).

Allele frequency attached by ClinVar (database versions not stated): gnomAD exomes below 0.00001.
gnomAD v4.1: 3 of 1,614,018 alleles (0.00019%); highest among the groups gnomAD compares: Non-Finnish European, 0.00025%; no homozygotes.

Submission:

Labcorp Genetics (formerly Invitae), Labcorp
Classification: Uncertain significance. Last evaluated: 2025-09-21. Review status: criteria provided, single submitter. Criteria: Invitae Variant Classification Sherloc (09022015). Collection method: clinical testing. Allele origin: germline.
Comment: This sequence change falls in intron 16 of the AXL gene. It does not directly change the encoded amino acid sequence of the AXL protein. It affects a nucleotide within the consensus splice site. This variant is present in population databases (no rsID available, gnomAD 0.0009%). This variant has not been reported in the literature in individuals affected with AXL-related conditions. ClinVar contains an entry for this variant (Variation ID: 1507337). Variants that disrupt the consensus splice site are a relatively common cause of aberrant splicing (PMID: 17576681, 9536098). Algorithms developed to predict the effect of sequence changes on RNA splicing suggest that this variant is not likely to affect RNA splicing. In summary, the available evidence is currently insufficient to determine the role of this variant in disease. Therefore, it has been classified as a Variant of Uncertain Significance.

Literature cited by the submitters: PubMed 17576681; PubMed 9536098.